The following is an entry in ClinVar:

ClinVar aggregate classification (germline): Uncertain significance. Review status: criteria provided, multiple submitters, no conflicts (2 of 4 stars). 2 submissions from 2 submitters: Uncertain significance (2). Last evaluated 2025-05-09.

Submissions (2):

Women's Health and Genetics/Laboratory Corporation of America, LabCorp
Classification: Uncertain significance. Last evaluated: 2025-05-09. Review status: criteria provided, single submitter. Criteria: LabCorp Variant Classification Summary - May 2015. Collection method: clinical testing. Allele origin: germline.
Comment: Variant summary: SPG7 c.1449+5G>C alters a nucleotide located close to a canonical splice site and therefore could affect mRNA splicing, leading to a significantly altered protein sequence. Several computational tools predict a significant impact on normal splicing: One predict the variant abolishes a 5' splicing donor site. Three predict the variant weakens a 5' donor site. However, these predictions have yet to be confirmed by functional studies. The variant was absent in 251172 control chromosomes. The available data on variant occurrences in the general population are insufficient to allow any conclusion about variant significance. To our knowledge, no occurrence of c.1449+5G>C in individuals affected with Hereditary Spastic Paraplegia 7 and no experimental evidence demonstrating its impact on protein function have been reported. ClinVar contains an entry for this variant (Variation ID: 425114). Based on the evidence outlined above, the variant was classified as uncertain significance.

CeGaT Center for Human Genetics Tuebingen
Classification: Uncertain significance. Last evaluated: 2016-06-01. Review status: criteria provided, single submitter. Criteria: CeGaT Center For Human Genetics Tuebingen Variant Classification Criteria Version 2. Collection method: clinical testing. Allele origin: germline. Affected: yes. Observed: 1 variant allele.

NM_003119.4(SPG7):c.1449+5G>C

Gene: SPG7 (SPG7 matrix AAA peptidase subunit, paraplegin; plus strand). Cytogenetic location: 16q24.3.
Variant type: single nucleotide variant.
Coding change: c.1449+5G>C on transcript NM_003119.4 (MANE Select); 5 bases into the intron after coding-DNA position 1449, G replaced by C.
Molecular consequence: intron variant.
Genome position (GRCh38, 1-based): chr16:89,544,777, G>C. VCF-style: chr16-89544777-G-C. GRCh37 (hg19) VCF-style: chr16-89611185-G-C.
Other names: c.1449+5G>C (NM_001363850.1).
Identifiers: ClinVar variation 425114 (VCV000425114.43), dbSNP rs1064797214, ClinGen allele CA16621695.
Genomic context (GRCh38, chr16:89,544,777, plus strand): 5'-TGATGAGGCCAGGCCGACTGGACCGGCACGTCTTCATTGATCTCCCCACGCTGCAGGTCA[G>C]AGCCAGGATCCCAGCCTCTCCCACTCCACCTGGGCCGCCCCCACTCGCTCTGAGTGGTCT-3'